The following is an entry in ClinVar:

NM_004369.4(COL6A3):c.9229+4_9229+7del

Gene: COL6A3 (collagen type VI alpha 3 chain; minus strand). Cytogenetic location: 2q37.3.
Variant type: Microsatellite.
Coding change: c.9229+4_9229+7del on transcript NM_004369.4 (MANE Select); bases 4 to 7 of the intron after coding-DNA position 9229, 4 bases deleted (AGTA; older notation c.9229+4_9229+7delAGTA).
Molecular consequence: splice donor variant.
Genome position (GRCh38, 1-based): chr2:237,334,619-237,334,622, TACT deleted on the plus strand (AGTA on the coding strand, the reverse complement: COL6A3 is on the minus strand); deleting any 4 consecutive bases within chr2:237,334,619-237,334,627 gives the same sequence; the c. name uses the placement nearest the transcript's 3' end. VCF-style (leftmost placement, unchanged base first): chr2-237334618-GTACT-G. GRCh37 (hg19) VCF-style: chr2-238243261-GTACT-G.
Other names: c.7408+4_7408+7del (NM_057166.5); c.8611+4_8611+7del (NM_057167.4).
Identifiers: ClinVar variation 2127412 (VCV002127412.4), dbSNP rs2469787269, ClinGen allele CA2580614114.

ClinVar aggregate classification (germline): Uncertain significance (1 of 4 stars; one submission).

Conditions:
Bethlem myopathy 1A. Also called: MYOPATHY, BENIGN CONGENITAL, WITH CONTRACTURES; Bethlem myopathy 1; Bethlem Muscular Dystrophy. Identifiers: Orphanet 610, MedGen CN029274, MONDO:0024530, OMIM 158810.

Submission:

Labcorp Genetics (formerly Invitae), Labcorp
Classification: Uncertain significance for Bethlem myopathy 1A. Last evaluated: 2022-08-24. Review status: criteria provided, single submitter. Criteria: Invitae Variant Classification Sherloc (09022015). Collection method: clinical testing. Allele origin: germline.
Comment: This sequence change falls in intron 41 of the COL6A3 gene. It does not directly change the encoded amino acid sequence of the COL6A3 protein. It affects a nucleotide within the consensus splice site. This variant is not present in population databases (gnomAD no frequency). This variant has not been reported in the literature in individuals affected with COL6A3-related conditions. Variants that disrupt the consensus splice site are a relatively common cause of aberrant splicing (PMID: 17576681, 9536098). Algorithms developed to predict the effect of sequence changes on RNA splicing suggest that this variant may disrupt the consensus splice site. In summary, the available evidence is currently insufficient to determine the role of this variant in disease. Therefore, it has been classified as a Variant of Uncertain Significance.

Literature cited by the submitters: PubMed 17576681; PubMed 9536098.